The following is an entry in ClinVar:

ClinVar aggregate classification (germline): Uncertain significance. Review status: criteria provided, multiple submitters, no conflicts (2 of 4 stars). 2 submissions from 2 submitters: Uncertain significance (2). Last evaluated 2025-09-10.

Conditions:
Gastrointestinal stromal tumor. Also called: Gastrointestinal stroma tumor; Gastrointestinal stromal tumor, somatic. Identifiers: Orphanet 44890, MedGen C0238198, MeSH D046152, MONDO:0011719, OMIM 606764, HP:0100723.
Hereditary cancer-predisposing syndrome. Also called: Neoplastic Syndromes, Hereditary; Hereditary Cancer Syndrome; Hereditary neoplastic syndrome; Tumor predisposition. Identifiers: Orphanet 140162, MedGen C0027672, MeSH D009386, MONDO:0015356.

Allele frequency attached by ClinVar (database versions not stated): gnomAD exomes below 0.00001.
gnomAD v4.1: 1 of 1,614,256 alleles (0.000062%); highest among the groups gnomAD compares: Non-Finnish European, 0.000085%; no homozygotes.

Submissions (2):

Labcorp Genetics (formerly Invitae), Labcorp
Classification: Uncertain significance for Gastrointestinal stromal tumor. Last evaluated: 2025-09-10. Review status: criteria provided, single submitter. Criteria: Invitae Variant Classification Sherloc (09022015). Collection method: clinical testing. Allele origin: germline.
Comment: This sequence change replaces threonine, which is neutral and polar, with serine, which is neutral and polar, at codon 84 of the KIT protein (p.Thr84Ser). This variant is not present in population databases (gnomAD no frequency). This variant has not been reported in the literature in individuals affected with KIT-related conditions. ClinVar contains an entry for this variant (Variation ID: 409764). An algorithm developed to predict the effect of missense changes on protein structure and function (PolyPhen-2) suggests that this variant is likely to be tolerated. In summary, the available evidence is currently insufficient to determine the role of this variant in disease. Therefore, it has been classified as a Variant of Uncertain Significance.

Ambry Genetics
Classification: Uncertain significance for Hereditary cancer-predisposing syndrome. Last evaluated: 2025-04-05. Review status: criteria provided, single submitter. Criteria: Ambry Variant Classification Scheme 2023. Collection method: clinical testing. Allele origin: germline.
Comment: The p.T84S variant (also known as c.250A>T), located in coding exon 2 of the KIT gene, results from an A to T substitution at nucleotide position 250. The threonine at codon 84 is replaced by serine, an amino acid with similar properties. This amino acid position is poorly conserved in available vertebrate species. In addition, this alteration is predicted to be tolerated by in silico analysis. Since supporting evidence is limited at this time, the clinical significance of this alteration remains unclear.

NM_000222.3(KIT):c.250A>T (p.Thr84Ser)

Gene: KIT (KIT proto-oncogene, receptor tyrosine kinase; plus strand). Cytogenetic location: 4q12.
Variant type: single nucleotide variant.
Coding change: c.250A>T on transcript NM_000222.3 (MANE Select); coding-DNA position 250, A replaced by T.
Protein change: p.Thr84Ser; replaces threonine 84 with serine.
Molecular consequence: missense variant.
Genome position (GRCh38, 1-based): chr4:54,695,694, A>T. VCF-style: chr4-54695694-A-T. GRCh37 (hg19) VCF-style: chr4-55561860-A-T.
Other names: c.250A>T, p.Thr84Ser (NM_001093772.2, NM_001385284.1, NM_001385285.1 and 4 more transcripts); short protein forms T84S.
Identifiers: ClinVar variation 409764 (VCV000409764.17), dbSNP rs1060502560, ClinGen allele CA16611579.